The following is an entry in ClinVar:

ClinVar aggregate classification (germline): Benign. Review status: criteria provided, multiple submitters, no conflicts (2 of 4 stars). 11 submissions from 7 submitters: Benign (11). Last evaluated 2026-02-04.

Conditions:
Epidermolysis bullosa simplex with nail dystrophy (EBS5D). Identifiers: MedGen C4225309, MONDO:0014661, OMIM 616487.
Epidermolysis bullosa simplex, Ogna type (EBS5A). Also called: Pidermolysis bullosa simplex 5A, Ogna type; EPIDERMOLYSIS BULLOSA SIMPLEX 5A, OGNA TYPE. Identifiers: Orphanet 79401, MedGen C0432317, MONDO:0007555, OMIM 131950.
Autosomal recessive limb-girdle muscular dystrophy type 2Q (LGMDR17). Also called: MUSCULAR DYSTROPHY, LIMB-GIRDLE, AUTOSOMAL RECESSIVE 17. Identifiers: Orphanet 254361, MedGen C3150989, MONDO:0013390, OMIM 613723.
Epidermolysis bullosa simplex 5C, with pyloric atresia (EBS5C). Also called: PLEC-Related Epidermolysis Bullosa with Pyloric Atresia; Epidermolysis bullosa simplex with pyloric atresia; PLEC1-Related Epidermolysis Bullosa with Pyloric Atresia. Identifiers: Orphanet 158684, MedGen C2677349, MONDO:0012807, OMIM 612138.
Epidermolysis bullosa simplex 5B, with muscular dystrophy (EBS5B). Also called: EPIDERMOLYSIS BULLOSA SIMPLEX AND LIMB-GIRDLE MUSCULAR DYSTROPHY; Epidermolysis bullosa simplex with muscular dystrophy. Identifiers: Orphanet 257, MedGen C2931072, MONDO:0009181, OMIM 226670.

Allele frequency attached by ClinVar (database versions not stated): 1000 Genomes Project 0.32748; 1000 Genomes Project 30x 0.33167; gnomAD exomes 0.35175 and 0.38448; ExAC 0.35985; TOPMed 0.38068; ESP Exome Variant Server 0.38147; gnomAD 0.38668 and 0.39200.
gnomAD v4.1: 619,663 of 1,610,440 alleles (38%); highest among the groups gnomAD compares: African/African-American, 43%; 121,517 homozygotes.

Submissions (11):

Labcorp Genetics (formerly Invitae), Labcorp
Classification: Benign for Autosomal recessive limb-girdle muscular dystrophy type 2Q; Epidermolysis bullosa simplex, Ogna type; Epidermolysis bullosa simplex with nail dystrophy; Epidermolysis bullosa simplex 5C, with pyloric atresia; Epidermolysis bullosa simplex 5B, with muscular dystrophy. Last evaluated: 2026-02-04. Review status: criteria provided, single submitter. Criteria: Invitae Variant Classification Sherloc (09022015). Collection method: clinical testing. Allele origin: germline.

Genome-Nilou Lab
Classification: Benign for Epidermolysis bullosa simplex with nail dystrophy. Last evaluated: 2021-10-25. Review status: criteria provided, single submitter. Criteria: ACMG Guidelines, 2015. Collection method: clinical testing. Allele origin: germline. Affected: no.

Genome-Nilou Lab
Classification: Benign for Epidermolysis bullosa simplex, Ogna type. Last evaluated: 2021-10-25. Review status: criteria provided, single submitter. Criteria: ACMG Guidelines, 2015. Collection method: clinical testing. Allele origin: germline. Affected: no.

Genome-Nilou Lab
Classification: Benign for Epidermolysis bullosa simplex 5B, with muscular dystrophy. Last evaluated: 2021-10-25. Review status: criteria provided, single submitter. Criteria: ACMG Guidelines, 2015. Collection method: clinical testing. Allele origin: germline. Affected: no.

Genome-Nilou Lab
Classification: Benign for Epidermolysis bullosa simplex 5C, with pyloric atresia. Last evaluated: 2021-10-25. Review status: criteria provided, single submitter. Criteria: ACMG Guidelines, 2015. Collection method: clinical testing. Allele origin: germline. Affected: no.

Genome-Nilou Lab
Classification: Benign for Autosomal recessive limb-girdle muscular dystrophy type 2Q. Last evaluated: 2021-10-25. Review status: criteria provided, single submitter. Criteria: ACMG Guidelines, 2015. Collection method: clinical testing. Allele origin: germline. Affected: no.

GeneDx
Classification: Benign. Last evaluated: 2016-01-05. Review status: criteria provided, single submitter. Criteria: GeneDx Variant Classification (06012015). Collection method: clinical testing. Allele origin: germline. Affected: yes.
Comment: This variant is considered likely benign or benign based on one or more of the following criteria: it is a conservative change, it occurs at a poorly conserved position in the protein, it is predicted to be benign by multiple in silico algorithms, and/or has population frequency not consistent with disease.

Laboratory for Molecular Medicine, Mass General Brigham Personalized Medicine
Classification: Benign. Last evaluated: 2015-01-13. Review status: criteria provided, single submitter. Criteria: LMM Criteria. Collection method: clinical testing. Allele origin: germline. Observed: 8 variant alleles.
Comment: c.2226+13A>G in intron 15 of PLEC: This variant is not expected to have clinical significance because it is not located within the conserved splice consensus se quence. It has been identified in 40.0% (1561/3904) of African American chromoso mes from a broad population by the NHLBI Exome Sequencing Project (.; dbSNP rs10866916).

Eurofins Ntd Llc (ga)
Classification: Benign. Last evaluated: 2013-09-04. Review status: criteria provided, single submitter. Criteria: EGL Classification Definitions 2015. Collection method: clinical testing. Allele origin: germline. Observed: 4 variant alleles, 4 heterozygotes.

Breakthrough Genomics
Classification: Benign. Review status: criteria provided, single submitter. Criteria: ACMG Guidelines, 2015. Collection method: not provided. Allele origin: germline. Inheritance: Autosomal recessive inheritance. Affected: yes.

PreventionGenetics, part of Exact Sciences
Classification: Benign. Review status: criteria provided, single submitter. Criteria: ACMG Guidelines, 2015. Collection method: clinical testing. Allele origin: germline.

NM_201384.3(PLEC):c.1815+13A>G

Gene: PLEC (plectin; minus strand). Cytogenetic location: 8q24.3.
Variant type: single nucleotide variant.
Coding change: c.1815+13A>G on transcript NM_201384.3 (MANE Select); 13 bases into the intron after coding-DNA position 1815, A replaced by G.
Molecular consequence: intron variant.
Genome position (GRCh38, 1-based): chr8:143,932,622, T>C on the plus strand (A>G on the coding strand, the complement: PLEC is on the minus strand). VCF-style: chr8-143932622-T-C. GRCh37 (hg19) VCF-style: chr8-145006790-T-C.
Other names: c.1896+13A>G (NM_000445.5); c.1773+13A>G (NM_201378.4); c.1749+13A>G (NM_201379.3); c.2226+13A>G (NM_201380.4); c.1719+13A>G (NM_201381.3); c.1815+13A>G (NM_201382.4); c.1827+13A>G (NM_201383.3).
Identifiers: ClinVar variation 93035 (VCV000093035.19), dbSNP rs10866916, ClinGen allele CA146313.